The following is an entry in ClinVar:

ClinVar aggregate classification (germline): Uncertain significance. Review status: criteria provided, multiple submitters, no conflicts (2 of 4 stars). 4 submissions from 4 submitters: Uncertain significance (4). Last evaluated 2025-11-23.

Conditions:
Hereditary cancer-predisposing syndrome. Also called: Neoplastic Syndromes, Hereditary; Tumor predisposition; Hereditary Cancer Syndrome; Hereditary neoplastic syndrome. Identifiers: Orphanet 140162, MedGen C0027672, MeSH D009386, MONDO:0015356.
Familial adenomatous polyposis 1 (FAP1). Also called: FAMILIAL ADENOMATOUS POLYPOSIS 1, ATTENUATED; POLYPOSIS, ADENOMATOUS INTESTINAL. Identifiers: MedGen C2713442, MONDO:0021056, OMIM 175100. Disease mechanism: loss of function.

Submissions (4):

Labcorp Genetics (formerly Invitae), Labcorp
Classification: Uncertain significance for Familial adenomatous polyposis 1. Last evaluated: 2025-11-23. Review status: criteria provided, single submitter. Criteria: Invitae Variant Classification Sherloc (09022015). Collection method: clinical testing. Allele origin: germline.
Comment: This sequence change replaces threonine, which is neutral and polar, with alanine, which is neutral and non-polar, at codon 2807 of the APC protein (p.Thr2807Ala). This variant is not present in population databases (gnomAD no frequency). This variant has not been reported in the literature in individuals affected with APC-related conditions. ClinVar contains an entry for this variant (Variation ID: 482385). Invitae Evidence Modeling of protein sequence and biophysical properties (such as structural, functional, and spatial information, amino acid conservation, physicochemical variation, residue mobility, and thermodynamic stability) indicates that this missense variant is not expected to disrupt APC protein function with a negative predictive value of 95%. In summary, the available evidence is currently insufficient to determine the role of this variant in disease. Therefore, it has been classified as a Variant of Uncertain Significance.

Ambry Genetics
Classification: Uncertain significance for Hereditary cancer-predisposing syndrome. Last evaluated: 2025-09-28. Review status: criteria provided, single submitter. Criteria: Ambry Variant Classification Scheme 2023. Collection method: clinical testing. Allele origin: germline.
Comment: The p.T2807A variant (also known as c.8419A>G), located in coding exon 15 of the APC gene, results from an A to G substitution at nucleotide position 8419. The threonine at codon 2807 is replaced by alanine, an amino acid with similar properties. This amino acid position is highly conserved in available vertebrate species. In addition, in silico predictors for this gene do not accurately predict pathogenicity. Since supporting evidence is limited at this time, the clinical significance of this alteration remains unclear.

Color Diagnostics, LLC DBA Color Health
Classification: Uncertain significance for Hereditary cancer-predisposing syndrome. Last evaluated: 2021-11-19. Review status: criteria provided, single submitter. Criteria: ACMG Guidelines, 2015. Collection method: clinical testing. Allele origin: germline.
Comment: This missense variant replaces threonine with alanine at codon 2807 of the APC protein. Computational prediction suggests that this variant may not impact protein structure and function (internally defined REVEL score threshold <= 0.5, PMID: 27666373). To our knowledge, functional studies have not been reported for this variant. This variant has not been reported in individuals affected with APC-associated colorectal polyps in the literature. This variant has been reported in an individual affected with colorectal cancer but a pathogenic MSH6 variant was also detected (PMID: 33977078). This variant has not been identified in the general population by the Genome Aggregation Database (gnomAD). The available evidence is insufficient to determine the role of this variant in disease conclusively. Therefore, this variant is classified as a Variant of Uncertain Significance.

PreventionGenetics, part of Exact Sciences
Classification: Uncertain significance. Last evaluated: 2017-07-06. Review status: criteria provided, single submitter. Criteria: ACMG Guidelines, 2015. Collection method: clinical testing. Allele origin: germline.

Literature cited by the submitters: PubMed 33977078 (cited by Ambry Genetics and Color Diagnostics, LLC DBA Color Health).

NM_000038.6(APC):c.8419A>G (p.Thr2807Ala)

Gene: APC (APC regulator of Wnt signaling pathway; plus strand). Cytogenetic location: 5q22.2.
Variant type: single nucleotide variant.
Coding change: c.8419A>G on transcript NM_000038.6 (MANE Select); coding-DNA position 8419, A replaced by G.
Protein change: p.Thr2807Ala; replaces threonine 2807 with alanine.
Molecular consequence: missense variant.
Genome position (GRCh38, 1-based): chr5:112,844,013, A>G. VCF-style: chr5-112844013-A-G. GRCh37 (hg19) VCF-style: chr5-112179710-A-G.
Other names: c.8449A>G, p.Thr2817Ala (NM_001354897.2); c.8419A>G, p.Thr2807Ala (NM_001354895.2, NM_001127510.3); c.8473A>G, p.Thr2825Ala (NM_001354896.2); c.8365A>G, p.Thr2789Ala (NM_001127511.3); c.8344A>G, p.Thr2782Ala (NM_001354898.2); c.8335A>G, p.Thr2779Ala (NM_001354899.2); c.8296A>G, p.Thr2766Ala (NM_001354900.2); c.8242A>G, p.Thr2748Ala (NM_001354901.2); and 5 more; short protein forms T2807A, T2789A, T2524A, T2647A, T2817A, T2716A, T2779A, T2681A.
Identifiers: ClinVar variation 482385 (VCV000482385.20), dbSNP rs894164638, ClinGen allele CA16039598.